The following is an entry in ClinVar:

ClinVar aggregate classification (germline): Uncertain significance (1 of 4 stars; one submission).

Conditions:
Hereditary cancer-predisposing syndrome. Also called: Neoplastic Syndromes, Hereditary; Tumor predisposition; Hereditary neoplastic syndrome; Hereditary Cancer Syndrome. Identifiers: Orphanet 140162, MedGen C0027672, MeSH D009386, MONDO:0015356.

Submission:

Ambry Genetics
Classification: Uncertain significance for Hereditary cancer-predisposing syndrome. Last evaluated: 2023-10-06. Review status: criteria provided, single submitter. Criteria: Ambry Variant Classification Scheme 2023. Collection method: clinical testing. Allele origin: germline.
Comment: The p.S1156A variant (also known as c.3466T>G), located in coding exon 10 of the BRCA2 gene, results from a T to G substitution at nucleotide position 3466. The serine at codon 1156 is replaced by alanine, an amino acid with similar properties. This amino acid position is conserved. In addition, this alteration is predicted to be tolerated by in silico analysis. Since supporting evidence is limited at this time, the clinical significance of this alteration remains unclear.

NM_000059.4(BRCA2):c.3466T>G (p.Ser1156Ala)

Gene: BRCA2 (BRCA2 DNA repair associated; plus strand). Cytogenetic location: 13q13.1.
Variant type: single nucleotide variant.
Coding change: c.3466T>G on transcript NM_000059.4 (MANE Select); coding-DNA position 3466, T replaced by G.
Protein change: p.Ser1156Ala; replaces serine 1156 with alanine.
Molecular consequence: missense variant. On other transcripts: non-coding transcript variant (1), intron variant (2).
Genome position (GRCh38, 1-based): chr13:32,337,821, T>G. VCF-style: chr13-32337821-T-G. GRCh37 (hg19) VCF-style: chr13-32911958-T-G.
Other names: c.3466T>G, p.Ser1156Ala (NM_001406719.1, NM_001406720.1); c.1909+4434T>G (NM_001406721.1); c.425-6737T>G (NM_001406722.1); short protein forms S1156A.
Identifiers: ClinVar variation 3226256 (VCV003226256.1), dbSNP rs2137496866, ClinGen allele CA387776780.
Genomic context (GRCh38, chr13:32,337,821, plus strand): 5'-ATATTGCAGAAGAGTACATTTGAAGTGCCTGAAAACCAGATGACTATCTTAAAGACCACT[T>G]CTGAGGAATGCAGAGATGCTGATCTTCATGTCATAATGAATGCCCCATCGATTGGTCAGG-3'
Protein context (NP_000050.3, residues 1146-1166): ENQMTILKTT[Ser1156Ala]EECRDADLHV